The following is an entry in ClinVar:

ClinVar aggregate classification (germline): Uncertain significance. Review status: criteria provided, multiple submitters, no conflicts (2 of 4 stars). 3 submissions from 3 submitters: Uncertain significance (3). Last evaluated 2026-08-24.

Conditions:
COL18A1-related disorder. Also called: COL18A1-related disorders; COL18A1-related condition.
Inborn genetic diseases. Identifiers: MedGen C0950123, MeSH D030342.

Allele frequency attached by ClinVar (database versions not stated): gnomAD exomes 0.00001 and 0.00002; ExAC 0.00006; gnomAD 0.00007 and 0.00008; TOPMed 0.00010; 1000 Genomes Project 30x 0.00016; ESP Exome Variant Server 0.00017; 1000 Genomes Project 0.00020.
gnomAD v4.1: 22 of 1,553,154 alleles (0.0014%); highest among the groups gnomAD compares: Middle Eastern, 0.033%; no homozygotes.

Submissions (3):

PreventionGenetics, part of Exact Sciences
Classification: Uncertain significance for COL18A1-related condition. Last evaluated: 2026-08-24. Review status: criteria provided, single submitter. Criteria: ACMG Guidelines, 2015. Collection method: clinical testing. Allele origin: germline.
Comment: The COL18A1 c.1636C>T variant is predicted to result in the amino acid substitution p.Pro546Ser. To our knowledge, this variant has not been reported in the literature. This variant is reported in 0.024% of alleles in individuals of African descent in gnomAD. At this time, the clinical significance of this variant is uncertain due to the absence of conclusive functional and genetic evidence.

Ambry Genetics
Classification: Uncertain significance for Inborn genetic diseases. Last evaluated: 2025-05-19. Review status: criteria provided, single submitter. Criteria: Ambry Variant Classification Scheme 2023. Collection method: clinical testing. Allele origin: germline.

Labcorp Genetics (formerly Invitae), Labcorp
Classification: Uncertain significance. Last evaluated: 2022-09-12. Review status: criteria provided, single submitter. Criteria: Invitae Variant Classification Sherloc (09022015). Collection method: clinical testing. Allele origin: germline.
Comment: This sequence change replaces proline, which is neutral and non-polar, with serine, which is neutral and polar, at codon 366 of the COL18A1 protein (p.Pro366Ser). This variant is present in population databases (rs377028409, gnomAD 0.02%). This variant has not been reported in the literature in individuals affected with COL18A1-related conditions. ClinVar contains an entry for this variant (Variation ID: 1374838). Experimental studies and prediction algorithms are not available or were not evaluated, and the functional significance of this variant is currently unknown. In summary, the available evidence is currently insufficient to determine the role of this variant in disease. Therefore, it has been classified as a Variant of Uncertain Significance.

NM_001379500.1(COL18A1):c.1096C>T (p.Pro366Ser)

Gene: COL18A1 (collagen type XVIII alpha 1 chain; plus strand). Cytogenetic location: 21q22.3.
Variant type: single nucleotide variant.
Coding change: c.1096C>T on transcript NM_001379500.1 (MANE Select); coding-DNA position 1096, C replaced by T.
Protein change: p.Pro366Ser; replaces proline 366 with serine.
Molecular consequence: missense variant.
Genome position (GRCh38, 1-based): chr21:45,477,840, C>T. VCF-style: chr21-45477840-C-T. GRCh37 (hg19) VCF-style: chr21-46897754-C-T.
Other names: NM_130445.2:c.1096C>T; c.1636C>T, p.Pro546Ser (NM_030582.4); c.2341C>T, p.Pro781Ser (NM_130444.3); c.1636C>T (NM_030582.3); short protein forms P546S, P781S, P366S.
Identifiers: ClinVar variation 1374838 (VCV001374838.6), dbSNP rs377028409, ClinGen allele CA10066074.